The following is an entry in ClinVar:

NM_000018.4(ACADVL):c.257A>G (p.Gln86Arg)

Gene: ACADVL (acyl-CoA dehydrogenase very long chain; plus strand). Cytogenetic location: 17p13.1.
Variant type: single nucleotide variant.
Coding change: c.257A>G on transcript NM_000018.4 (MANE Select); coding-DNA position 257, A replaced by G.
Protein change: p.Gln86Arg; replaces glutamine 86 with arginine.
Molecular consequence: missense variant.
Genome position (GRCh38, 1-based): chr17:7,220,656, A>G. VCF-style: chr17-7220656-A-G. GRCh37 (hg19) VCF-style: chr17-7123975-A-G.
Other names: c.191A>G, p.Gln64Arg (NM_001033859.3); c.326A>G, p.Gln109Arg (NM_001270447.2); c.29A>G, p.Gln10Arg (NM_001270448.2); short protein forms Q109R, Q86R, Q10R, Q64R.
Identifiers: ClinVar variation 1986117 (VCV001986117.1), dbSNP rs1305471933, ClinGen allele CA397722437.
Genomic context (GRCh38, chr17:7,220,656, plus strand): 5'-CTGCCCAGGAATCTAAGTCCTTTGCTGTGGGAATGTTCAAAGGCCAGCTCACCACAGATC[A>G]GGTGTTCCCATACCCGTCCGGTAAGGGAAGGGATAATCAGAGCTGGGTGGGGCCAGGGTG-3'
Protein context (NP_000009.1, residues 76-96): GMFKGQLTTD[Gln86Arg]VFPYPSVLNE

ClinVar aggregate classification (germline): Uncertain significance (1 of 4 stars; one submission).

Conditions:
Very long chain acyl-CoA dehydrogenase deficiency (ACADVLD). Also called: VLCAD Deficiency; Very Long-Chain Acyl-Coenzyme A Dehydrogenase Deficiency. Identifiers: Orphanet 26793, MedGen C3887523, MONDO:0008723, OMIM 201475.

Allele frequency attached by ClinVar (database versions not stated): gnomAD exomes below 0.00001; TOPMed 0.00001.

Submission:

Labcorp Genetics (formerly Invitae), Labcorp
Classification: Uncertain significance for Very long chain acyl-CoA dehydrogenase deficiency. Last evaluated: 2022-03-05. Review status: criteria provided, single submitter. Criteria: Invitae Variant Classification Sherloc (09022015). Collection method: clinical testing. Allele origin: germline.
Comment: This sequence change replaces glutamine, which is neutral and polar, with arginine, which is basic and polar, at codon 86 of the ACADVL protein (p.Gln86Arg). This variant is not present in population databases (gnomAD no frequency). This variant has not been reported in the literature in individuals affected with ACADVL-related conditions. Algorithms developed to predict the effect of missense changes on protein structure and function are either unavailable or do not agree on the potential impact of this missense change (SIFT: "Deleterious"; PolyPhen-2: "Benign"; Align-GVGD: "Class C35"). In summary, the available evidence is currently insufficient to determine the role of this variant in disease. Therefore, it has been classified as a Variant of Uncertain Significance.